The following is an entry in ClinVar:

ClinVar aggregate classification (germline): Uncertain significance. Review status: criteria provided, multiple submitters, no conflicts (2 of 4 stars). 2 submissions from 2 submitters: Uncertain significance (2). Last evaluated 2025-04-07.

Conditions:
Inborn genetic diseases. Identifiers: MedGen C0950123, MeSH D030342.
Nephronophthisis. Also called: Juvenile Nephronophthisis. Identifiers: Orphanet 655, MedGen C0687120, MONDO:0019005, HP:0000090.

Allele frequency attached by ClinVar (database versions not stated): ExAC 0.00001; gnomAD exomes 0.00001.
gnomAD v4.1: 3 of 1,613,792 alleles (0.00019%); highest among the groups gnomAD compares: Admixed American, 0.005%; no homozygotes.

Submissions (2):

Ambry Genetics
Classification: Uncertain significance for Inborn genetic diseases. Last evaluated: 2025-04-07. Review status: criteria provided, single submitter. Criteria: Ambry Variant Classification Scheme 2023. Collection method: clinical testing. Allele origin: germline.

Labcorp Genetics (formerly Invitae), Labcorp
Classification: Uncertain significance for Nephronophthisis. Last evaluated: 2024-02-23. Review status: criteria provided, single submitter. Criteria: Invitae Variant Classification Sherloc (09022015). Collection method: clinical testing. Allele origin: germline.
Comment: This sequence change replaces glutamic acid, which is acidic and polar, with glutamine, which is neutral and polar, at codon 457 of the IQCB1 protein (p.Glu457Gln). This variant is present in population databases (rs772369157, gnomAD 0.006%). This variant has not been reported in the literature in individuals affected with IQCB1-related conditions. ClinVar contains an entry for this variant (Variation ID: 2048606). Advanced modeling of protein sequence and biophysical properties (such as structural, functional, and spatial information, amino acid conservation, physicochemical variation, residue mobility, and thermodynamic stability) performed at Invitae indicates that this missense variant is not expected to disrupt IQCB1 protein function with a negative predictive value of 80%. In summary, the available evidence is currently insufficient to determine the role of this variant in disease. Therefore, it has been classified as a Variant of Uncertain Significance.

NM_001023570.4(IQCB1):c.1369G>C (p.Glu457Gln)

Gene: IQCB1 (IQ motif containing B1; minus strand). Cytogenetic location: 3q13.33.
Variant type: single nucleotide variant.
Coding change: c.1369G>C on transcript NM_001023570.4 (MANE Select); coding-DNA position 1369, G replaced by C.
Protein change: p.Glu457Gln; replaces glutamic acid 457 with glutamine.
Molecular consequence: missense variant. On other transcripts: non-coding transcript variant (1).
Genome position (GRCh38, 1-based): chr3:121,781,784, C>G on the plus strand (G>C on the coding strand, the complement: IQCB1 is on the minus strand). VCF-style: chr3-121781784-C-G. GRCh37 (hg19) VCF-style: chr3-121500631-C-G.
Other names: c.970G>C, p.Glu324Gln (NM_001023571.4); c.1369G>C, p.Glu457Gln (NM_001319107.2); c.1369G>C (NM_001023570.2); short protein forms E457Q, E324Q.
Identifiers: ClinVar variation 2048606 (VCV002048606.4), dbSNP rs772369157, ClinGen allele CA2567113.
Genomic context (GRCh38, chr3:121,781,784, plus strand): 5'-TGGTACAGAAGCTTCATACCAAATGTCTTCTGACATAGTCATCCACTCGTTTCTTCAGTT[C>G]AACTCGGCGTGCATCAGTGAGTTCTTGGAGTCCTCGCCAAGGAGCAAATAGTTTCTTTTT-3'
Protein context (NP_001018864.2, residues 447-467): LQELTDARRV[Glu457Gln]LKKRVDDYVR